The following is an entry in ClinVar:

NM_001376.5(DYNC1H1):c.11725T>C (p.Leu3909=)

Gene: DYNC1H1 (dynein cytoplasmic 1 heavy chain 1; plus strand). Cytogenetic location: 14q32.31.
Variant type: single nucleotide variant.
Coding change: c.11725T>C on transcript NM_001376.5 (MANE Select); coding-DNA position 11725, T replaced by C.
Protein change: p.Leu3909=; no amino-acid change (leucine 3909 retained).
Molecular consequence: synonymous variant.
Genome position (GRCh38, 1-based): chr14:102,040,270, T>C. VCF-style: chr14-102040270-T-C. GRCh37 (hg19) VCF-style: chr14-102506607-T-C.
Identifiers: ClinVar variation 385272 (VCV000385272.20), dbSNP rs927269531, ClinGen allele CA16606499.

ClinVar aggregate classification (germline): Likely benign. Review status: criteria provided, multiple submitters, no conflicts (2 of 4 stars). 4 submissions from 4 submitters: Likely benign (4). Last evaluated 2026-05-27.

Conditions:
DYNC1H1-related disorder. Also called: DYNC1H1-related condition; DYNC1H1-related disorders. Identifiers: MedGen CN381529.
Charcot-Marie-Tooth disease axonal type 2O. Also called: CHARCOT-MARIE-TOOTH NEUROPATHY, AXONAL, TYPE 2O; CHARCOT-MARIE-TOOTH DISEASE, AXONAL, AUTOSOMAL DOMINANT, TYPE 2O; Charcot-Marie-Tooth disease, axonal, type 20; Charcot-Marie-Tooth Neuropathy Type 2O. Identifiers: Orphanet 284232, MedGen C3280220, MONDO:0013644, OMIM 614228.

Allele frequency attached by ClinVar (database versions not stated): gnomAD 0.00001; gnomAD exomes 0.00002 and 0.00005; TOPMed 0.00002.
gnomAD v4.1: 67 of 1,614,032 alleles (0.0042%); highest among the groups gnomAD compares: Non-Finnish European, 0.0053%; no homozygotes.

Submissions (4):

PreventionGenetics, part of Exact Sciences
Classification: Likely benign for DYNC1H1-related condition. Last evaluated: 2026-05-27. Review status: criteria provided, single submitter. Criteria: ACMG Guidelines, 2015. Collection method: clinical testing. Allele origin: germline.
Comment: This variant is classified as likely benign based on ACMG/AMP sequence variant interpretation guidelines (Richards et al. 2015 PMID: 25741868, with internal and published modifications).

CeGaT Center for Human Genetics Tuebingen
Classification: Likely benign. Last evaluated: 2026-04-01. Review status: criteria provided, single submitter. Criteria: CeGaT Center For Human Genetics Tuebingen Variant Classification Criteria Version 2. Collection method: clinical testing. Allele origin: germline. Affected: yes. Observed: 2 variant alleles.
Comment: DYNC1H1: BP4, BP7

Labcorp Genetics (formerly Invitae), Labcorp
Classification: Likely benign for Charcot-Marie-Tooth disease axonal type 2O. Last evaluated: 2025-11-01. Review status: criteria provided, single submitter. Criteria: Invitae Variant Classification Sherloc (09022015). Collection method: clinical testing. Allele origin: germline.

GeneDx
Classification: Likely benign. Last evaluated: 2021-01-05. Review status: criteria provided, single submitter. Criteria: GeneDx Variant Classification Process June 2021. Collection method: clinical testing. Allele origin: germline. Affected: yes.